The following is an entry in ClinVar:

NM_000117.3(EMD):c.450-2A>G

Gene: EMD (emerin; plus strand). Cytogenetic location: Xq28.
Variant type: single nucleotide variant.
Coding change: c.450-2A>G on transcript NM_000117.3 (MANE Select); the canonical splice acceptor site of the intron before coding-DNA position 450, A replaced by G.
Molecular consequence: splice acceptor variant.
Genome position (GRCh38, 1-based): chrX:154,380,880, A>G. VCF-style: chrX-154380880-A-G. GRCh37 (hg19) VCF-style: chrX-153609240-A-G.
Identifiers: ClinVar variation 92441 (VCV000092441.19), dbSNP rs398123158, ClinGen allele CA220368.
Genomic context (GRCh38, chrX:154,380,880, plus strand): 5'-CCAGGGACGGGCTGGTTCTGGGTCCAGGCTCCTGGCCCACTTGCTCCCCTCTTTTGCCTC[A>G]GGGAACGCCCCATGTACGGCCGGGACAGTGCCTACCAGAGCATCACGCACTACCGCCCTG-3'

ClinVar aggregate classification (germline): Pathogenic/Likely pathogenic. Review status: criteria provided, multiple submitters, no conflicts (2 of 4 stars). 3 submissions from 3 submitters: Pathogenic (2); Likely pathogenic (1). Last evaluated 2025-01-08.

Conditions:
Emery-Dreifuss muscular dystrophy 1, X-linked (EDMD1). Also called: Muscular dystrophy, tardive, Dreifuss-Emery type, with contractures; SCAPULOPERONEAL SYNDROME, X-LINKED; HUMEROPERONEAL NEUROMUSCULAR DISEASE; EMD-Related Emery-Dreifuss Muscular Dystrophy, X-Linked. Identifiers: MedGen CN375556, MONDO:0100531, OMIM 310300.
X-linked Emery-Dreifuss muscular dystrophy. Also called: Muscular dystrophy, tardive Emery-Dreifuss type, with contractures. Identifiers: Orphanet 261, Orphanet 98863, MedGen C0751337, MONDO:0010680.

Submissions (3):

Labcorp Genetics (formerly Invitae), Labcorp
Classification: Pathogenic for X-linked Emery-Dreifuss muscular dystrophy. Last evaluated: 2025-01-08. Review status: criteria provided, single submitter. Criteria: Invitae Variant Classification Sherloc (09022015). Collection method: clinical testing. Allele origin: germline.
Comment: This sequence change affects an acceptor splice site in intron 5 of the EMD gene. RNA analysis indicates that disruption of this splice site induces altered splicing and likely disrupts the C-terminus of the protein. This variant is not present in population databases (gnomAD no frequency). Disruption of this splice site has been observed in individual(s) with Emery-Dreifuss muscular dystrophy (PMID: 10220866, 25030574). This variant is also known as 1506 A>G (Splice). ClinVar contains an entry for this variant (Variation ID: 92441). Variants that disrupt the consensus splice site are a relatively common cause of aberrant splicing (PMID: 17576681, 9536098). Studies have shown that disruption of this splice site results in activation of a cryptic splice site and introduces a new termination codon (PMID: 25030574). However the mRNA is not expected to undergo nonsense-mediated decay. This variant disrupts a region of the EMD protein in which other variant(s) (p.Trp226* ) have been determined to be pathogenic (PMID: 8589715, 15967842; internal data). This suggests that this is a clinically significant region of the protein, and that variants that disrupt it are likely to be disease-causing. For these reasons, this variant has been classified as Pathogenic.

Revvity Omics, Revvity
Classification: Likely pathogenic for Emery-Dreifuss muscular dystrophy 1, X-linked. Last evaluated: 2020-05-26. Review status: criteria provided, single submitter. Criteria: ACMG Guidelines, 2015. Collection method: clinical testing. Allele origin: germline.

Eurofins Ntd Llc (ga)
Classification: Pathogenic. Last evaluated: 2013-11-12. Review status: criteria provided, single submitter. Criteria: EGL Classification Definitions 2015. Collection method: clinical testing. Allele origin: germline. Observed: 1 variant allele, 1 heterozygote.

Literature cited by the submitters: PubMed 10220866 (cited by Labcorp Genetics (formerly Invitae), Labcorp); PubMed 25030574 (cited by Labcorp Genetics (formerly Invitae), Labcorp); PubMed 17576681 (cited by Labcorp Genetics (formerly Invitae), Labcorp); PubMed 9536098 (cited by Labcorp Genetics (formerly Invitae), Labcorp); PubMed 8589715 (cited by Labcorp Genetics (formerly Invitae), Labcorp); PubMed 15967842 (cited by Labcorp Genetics (formerly Invitae), Labcorp).